The following is an entry in ClinVar:

NM_001243279.3(ACSF3):c.880C>T (p.Pro294Ser)

Gene: ACSF3 (acyl-CoA synthetase family member 3; plus strand). Cytogenetic location: 16q24.3.
Variant type: single nucleotide variant.
Coding change: c.880C>T on transcript NM_001243279.3 (MANE Select); coding-DNA position 880, C replaced by T.
Protein change: p.Pro294Ser; replaces proline 294 with serine.
Molecular consequence: missense variant. On other transcripts: non-coding transcript variant (3).
Genome position (GRCh38, 1-based): chr16:89,112,149, C>T. VCF-style: chr16-89112149-C-T. GRCh37 (hg19) VCF-style: chr16-89178557-C-T.
Other names: c.880C>T, p.Pro294Ser (NM_001127214.4, NM_174917.5); c.85C>T, p.Pro29Ser (NM_001284316.2); short protein forms P294S, P29S.
Identifiers: ClinVar variation 2115372 (VCV002115372.4), dbSNP rs2543607322, ClinGen allele CA397139201.
Genomic context (GRCh38, chr16:89,112,149, plus strand): 5'-TAGGTTTGGGAAAAGTTCTTAAGTTCTGAAACGCCGCGGATCAATGTCTTTATGGCAGTG[C>T]CTACAATATACACCAAGCTGATGGAGTACTACGACAGGCATTTTACCCAGCCGCACGCCC-3'
Protein context (NP_001230208.1, residues 284-304): TPRINVFMAV[Pro294Ser]TIYTKLMEYY

ClinVar aggregate classification (germline): Uncertain significance (1 of 4 stars; one submission).

Conditions:
Combined malonic and methylmalonic acidemia. Identifiers: Orphanet 289504, MedGen C3280314, MONDO:0013661, OMIM 614265.

Submission:

Labcorp Genetics (formerly Invitae), Labcorp
Classification: Uncertain significance for Combined malonic and methylmalonic acidemia. Last evaluated: 2023-05-22. Review status: criteria provided, single submitter. Criteria: Invitae Variant Classification Sherloc (09022015). Collection method: clinical testing. Allele origin: germline.
Comment: This sequence change replaces proline, which is neutral and non-polar, with serine, which is neutral and polar, at codon 294 of the ACSF3 protein (p.Pro294Ser). This variant is not present in population databases (gnomAD no frequency). This variant has not been reported in the literature in individuals affected with ACSF3-related conditions. ClinVar contains an entry for this variant (Variation ID: 2115372). Advanced modeling of protein sequence and biophysical properties (such as structural, functional, and spatial information, amino acid conservation, physicochemical variation, residue mobility, and thermodynamic stability) has been performed at Invitae for this missense variant, however the output from this modeling did not meet the statistical confidence thresholds required to predict the impact of this variant on ACSF3 protein function. In summary, the available evidence is currently insufficient to determine the role of this variant in disease. Therefore, it has been classified as a Variant of Uncertain Significance.